The following is an entry in ClinVar:

NM_000238.4(KCNH2):c.3456A>T (p.Arg1152Ser)

Gene: KCNH2 (potassium voltage-gated channel subfamily H member 2; minus strand). Cytogenetic location: 7q36.1.
Variant type: single nucleotide variant.
Coding change: c.3456A>T on transcript NM_000238.4 (MANE Select); coding-DNA position 3456, A replaced by T.
Protein change: p.Arg1152Ser; replaces arginine 1152 with serine.
Molecular consequence: missense variant. On other transcripts: non-coding transcript variant (2).
Genome position (GRCh38, 1-based): chr7:150,945,389, T>A on the plus strand (A>T on the coding strand, the complement: KCNH2 is on the minus strand). VCF-style: chr7-150945389-T-A. GRCh37 (hg19) VCF-style: chr7-150642477-T-A.
Other names: c.3168A>T, p.Arg1056Ser (NM_001406753.1); c.2436A>T, p.Arg812Ser (NM_172057.3); short protein forms R1056S, R1152S, R812S.
Identifiers: ClinVar variation 4757901 (VCV004757901.1).
Genomic context (GRCh38, chr7:150,945,389, plus strand): 5'-CCTGGGTGAGCCACGTGTCCACACTGGGCAGCCCCACTAACTGCCCGGGTCCGAGCCGTG[T>A]CTGTGCAGGGGCTGGGAGGTGAGGGCCCCCAGCTGGCCCGGTAGGGAGAGGCGTCGTGTG-3'
Protein context (NP_000229.1, residues 1142-1159): LGALTSQPLH[Arg1152Ser]HGSDPGS

ClinVar aggregate classification (germline): Uncertain significance (1 of 4 stars; one submission).

Conditions:
Cardiac arrhythmia. Also called: Arrhythmia; Cardiac rhythm disease. Identifiers: MedGen C0003811, MONDO:0007263, HP:0011675.

Submission:

Color Diagnostics, LLC DBA Color Health
Classification: Uncertain significance for Cardiac arrhythmia. Last evaluated: 2025-08-25. Review status: criteria provided, single submitter. Criteria: ACMG Guidelines, 2015. Collection method: clinical testing. Allele origin: germline.
Comment: This missense variant replaces arginine with serine at codon 1152 of the KCNH2 protein. Computational prediction suggests that this variant may have deleterious impact on protein structure and function. To our knowledge, functional studies have not been reported for this variant. This variant has not been reported in individuals affected with KCNH2-related disorders in the literature. This variant has not been identified in the general population by the Genome Aggregation Database (gnomAD). The available evidence is insufficient to determine the role of this variant in disease conclusively. Therefore, this variant is classified as a Variant of Uncertain Significance.